The following is an entry in ClinVar:

ClinVar aggregate classification (germline): Benign (0 of 4 stars; one submission).

Conditions:
DLG1-related disorder. Also called: DLG1-related condition.

Allele frequency attached by ClinVar (database versions not stated): 1000 Genomes Project 0.00419; 1000 Genomes Project 30x 0.00468; TOPMed 0.01243; gnomAD 0.01487; ExAC 0.01734; ESP Exome Variant Server 0.01830; gnomAD exomes 0.02086.
gnomAD v4.1: 32,395 of 1,606,026 alleles (2%); highest among the groups gnomAD compares: Non-Finnish European, 2.4%; 402 homozygotes.

Submission:

PreventionGenetics, part of Exact Sciences
Classification: Benign for DLG1-related condition. Last evaluated: 2019-08-08. Review status: no assertion criteria provided. Collection method: clinical testing. Allele origin: germline.
Comment: This variant is classified as benign based on ACMG/AMP sequence variant interpretation guidelines (Richards et al. 2015 PMID: 25741868, with internal and published modifications).

NM_001366207.1(DLG1):c.2357G>A (p.Arg786Gln)

Gene: DLG1 (discs large MAGUK scaffold protein 1; minus strand). Cytogenetic location: 3q29.
Variant type: single nucleotide variant.
Coding change: c.2357G>A on transcript NM_001366207.1 (MANE Select); coding-DNA position 2357, G replaced by A.
Protein change: p.Arg786Gln; replaces arginine 786 with glutamine.
Molecular consequence: missense variant. On other transcripts: non-coding transcript variant (4).
Genome position (GRCh38, 1-based): chr3:197,065,292, C>T on the plus strand (G>A on the coding strand, the complement: DLG1 is on the minus strand). VCF-style: chr3-197065292-C-T. GRCh37 (hg19) VCF-style: chr3-196792163-C-T.
Other names: c.2390G>A, p.Arg797Gln (NM_001098424.1, NM_001290983.2, NM_001366218.1); c.2354G>A, p.Arg785Gln (NM_001204386.1, NM_001366205.1, NM_001366213.1); c.2078G>A, p.Arg693Gln (NM_001204387.2); c.2042G>A, p.Arg681Gln (NM_001204388.2); c.2357G>A, p.Arg786Gln (NM_001363865.1, NM_001366210.1, NM_001366215.1); c.2273G>A, p.Arg758Gln (NM_001366203.1); c.2291G>A, p.Arg764Gln (NM_001366204.1, NM_001366208.1, NM_001366209.1 and 1 more transcripts); c.2303G>A, p.Arg768Gln (NM_001366206.1); and 7 more; short protein forms R681Q, R693Q, R714Q, R726Q, R746Q, R758Q, R764Q, R767Q.
Identifiers: ClinVar variation 3041899 (VCV003041899.2), dbSNP rs78190191, ClinGen allele CA2785157.